The following is an entry in ClinVar:

ClinVar aggregate classification (germline): Likely benign. Review status: criteria provided, multiple submitters, no conflicts (2 of 4 stars). 3 submissions from 3 submitters: Likely benign (3). Last evaluated 2023-11-01.

Conditions:
Wilson disease (WND). Also called: Wilson's disease. Identifiers: Orphanet 905, MedGen C0019202, MONDO:0010200, OMIM 277900. Disease mechanism: loss of function.

Allele frequency attached by ClinVar (database versions not stated): gnomAD exomes below 0.00001; TOPMed below 0.00001.
gnomAD v4.1: 2 of 1,613,878 alleles (0.00012%); highest among the groups gnomAD compares: Non-Finnish European, 0.00017%; no homozygotes.

Submissions (3):

Labcorp Genetics (formerly Invitae), Labcorp
Classification: Likely benign for Wilson disease. Last evaluated: 2023-11-01. Review status: criteria provided, single submitter. Criteria: Invitae Variant Classification Sherloc (09022015). Collection method: clinical testing. Allele origin: germline.

All of Us Research Program, National Institutes of Health
Classification: Likely benign for Wilson disease. Last evaluated: 2023-08-15. Review status: criteria provided, single submitter. Criteria: ACMG Guidelines, 2015. Collection method: clinical testing. Allele origin: germline. Inheritance: Autosomal recessive inheritance. Observed: 1 variant allele, 1 heterozygote.
Comment: This study involves interpretation of variants in research participants for the purpose of population health screening. Participant phenotype was not available at the time of variant classification. Additional details can be found in publication PMID: 35346344, PMCID: PMC8962531

Color Diagnostics, LLC DBA Color Health
Classification: Likely benign for Wilson disease. Last evaluated: 2023-07-26. Review status: criteria provided, single submitter. Criteria: ACMG Guidelines, 2015. Collection method: clinical testing. Allele origin: germline.

NM_000053.4(ATP7B):c.1296T>A (p.Ser432=)

Gene: ATP7B (ATPase copper transporting beta; minus strand). Cytogenetic location: 13q14.3.
Variant type: single nucleotide variant.
Coding change: c.1296T>A on transcript NM_000053.4 (MANE Select); coding-DNA position 1296, T replaced by A.
Protein change: p.Ser432=; no amino-acid change (serine 432 retained).
Molecular consequence: synonymous variant. On other transcripts: intron variant (1).
Genome position (GRCh38, 1-based): chr13:51,970,739, A>T on the plus strand (T>A on the coding strand, the complement: ATP7B is on the minus strand). VCF-style: chr13-51970739-A-T. GRCh37 (hg19) VCF-style: chr13-52544875-A-T.
Other names: c.1296T>A, p.Ser432= (NM_001005918.3, NM_001330578.2, NM_001330579.2 and 28 more transcripts); c.963T>A, p.Ser321= (NM_001243182.2); c.1200T>A, p.Ser400= (NM_001406517.1, NM_001406518.1, NM_001406530.1 and 3 more transcripts); c.867T>A, p.Ser289= (NM_001406539.1); c.1285+3196T>A (NM_001406548.1).
Identifiers: ClinVar variation 2728855 (VCV002728855.5), dbSNP rs1490840237, ClinGen allele CA483898005.